The following is an entry in ClinVar:

ClinVar aggregate classification (germline): Uncertain significance. Review status: criteria provided, multiple submitters, no conflicts (2 of 4 stars). 2 submissions from 2 submitters: Uncertain significance (2). Last evaluated 2026-08-19.

Conditions:
Inborn genetic diseases. Identifiers: MedGen C0950123, MeSH D030342.
NT5E-related disorder. Also called: NT5E-related condition.

Allele frequency attached by ClinVar (database versions not stated): gnomAD exomes 0.00001; ExAC 0.00002; gnomAD 0.00005; TOPMed 0.00013; 1000 Genomes Project 30x 0.00016; 1000 Genomes Project 0.00020.
gnomAD v4.1: 29 of 1,613,738 alleles (0.0018%); highest among the groups gnomAD compares: Admixed American, 0.02%; no homozygotes.

Submissions (2):

PreventionGenetics, part of Exact Sciences
Classification: Uncertain significance for NT5E-related condition. Last evaluated: 2026-08-19. Review status: criteria provided, single submitter. Criteria: ACMG Guidelines, 2015. Collection method: clinical testing. Allele origin: germline.
Comment: The NT5E c.1186T>C variant is predicted to result in the amino acid substitution p.Ser396Pro. To our knowledge, this variant has not been reported in the literature. This variant is reported in 0.0087% of alleles in individuals of Latino descent in gnomAD. At this time, the clinical significance of this variant is uncertain due to the absence of conclusive functional and genetic evidence.

Ambry Genetics
Classification: Uncertain significance for Inborn genetic diseases. Last evaluated: 2024-10-21. Review status: criteria provided, single submitter. Criteria: Ambry Variant Classification Scheme 2023. Collection method: clinical testing. Allele origin: germline.

NM_002526.4(NT5E):c.1186T>C (p.Ser396Pro)

Gene: NT5E (5'-nucleotidase ecto; plus strand). Cytogenetic location: 6q14.3.
Variant type: single nucleotide variant.
Coding change: c.1186T>C on transcript NM_002526.4 (MANE Select); coding-DNA position 1186, T replaced by C.
Protein change: p.Ser396Pro; replaces serine 396 with proline.
Molecular consequence: missense variant.
Genome position (GRCh38, 1-based): chr6:85,489,575, T>C. VCF-style: chr6-85489575-T-C. GRCh37 (hg19) VCF-style: chr6-86199293-T-C.
Other names: c.1186T>C, p.Ser396Pro (NM_001204813.2); short protein forms S396P.
Identifiers: ClinVar variation 2400574 (VCV002400574.4), dbSNP rs566262245, ClinGen allele CA3911527.
Genomic context (GRCh38, chr6:85,489,575, plus strand): 5'-ACGGATGAAATGTTCTGGAACCACGTATCCATGTGCATTTTAAATGGAGGTGGTATCCGG[T>C]CGCCCATTGATGAACGCAACAATGGTATGCTCCCAGGCCCAGCTCCTCAGTGTGTCATGT-3'
Protein context (NP_002517.1, residues 386-406): MCILNGGGIR[Ser396Pro]PIDERNNGTI